The following is an entry in ClinVar:

ClinVar aggregate classification (germline): Pathogenic (1 of 4 stars; one submission).

Conditions:
Short stature, rhizomelic, with microcephaly, micrognathia, and developmental delay (SSMG). Also called: SHORT STATURE-MICROGNATHIA SYNDROME. Identifiers: Orphanet 659702, MedGen C4310686, MONDO:0014948, OMIM 617164.

Submission:

Variantyx, Inc.
Classification: Pathogenic for Short stature, rhizomelic, with microcephaly, micrognathia, and developmental delay. Last evaluated: 2025-11-04. Review status: criteria provided, single submitter. Criteria: Variantyx Assertion Criteria 2022. Collection method: clinical testing. Allele origin: de novo. Inheritance: Autosomal dominant inheritance. Affected: yes.
Comment: This is a frameshift variant in the ARCN1 gene (OMIM: 600820). Pathogenic variants in this gene have been associated with autosomal dominant short stature-micrognathia syndrome. The alteration introduces a premature termination codon in exon 7 out of 10 and is expected to result in loss of function, which is a known disease mechanism for ARCN1 in this disorder (PMID: 27476655) (PVS1). This variant is absent from control populations (PM2) and it has not been reported in individuals with ARCN1-related disorders in the databases available for review. Based on the current evidence, this variant is classified as pathogenic for autosomal dominant short stature-micrognathia syndrome.

Literature cited by the submitters: PubMed 27476655.

NM_001655.5(ARCN1):c.1022_1023del (p.Glu341fs)

Gene: ARCN1 (archain 1 coat protein complex I subunit delta; plus strand). Cytogenetic location: 11q23.3.
Variant type: Microsatellite.
Coding change: c.1022_1023del on transcript NM_001655.5 (MANE Select); coding-DNA positions 1022 to 1023, 2 bases deleted (AG; older notation c.1022_1023delAG).
Protein change: p.Glu341fs; shifts the reading frame from glutamic acid 341.
Molecular consequence: frameshift variant. On other transcripts: non-coding transcript variant (1).
Genome position (GRCh38, 1-based): chr11:118,592,746-118,592,747, AG deleted; deleting any 2 consecutive bases within chr11:118,592,744-118,592,747 gives the same sequence; the c. name uses the placement nearest the transcript's 3' end. VCF-style (leftmost placement, unchanged base first): chr11-118592743-CAG-C. GRCh37 (hg19) VCF-style: chr11-118463458-CAG-C.
Other names: c.758_759del, p.Glu253fs (NM_001142281.2, NM_001425081.1); c.1022_1023del, p.Glu341fs (NM_001425073.1, NM_001425078.1); c.1019_1020del, p.Glu340fs (NM_001425074.1, NM_001425079.1); c.965_966del, p.Glu322fs (NM_001425075.1); c.953_954del, p.Glu318fs (NM_001425076.1); c.857_858del, p.Glu286fs (NM_001425077.1); c.578_579del, p.Glu193fs (NM_001425080.1); short protein forms E193fs, E253fs, E286fs, E318fs, E322fs, E340fs, E341fs.
Identifiers: ClinVar variation 4850154 (VCV004850154.1).